The following is an entry in ClinVar:

ClinVar aggregate classification (germline): Uncertain significance (1 of 4 stars; one submission).

Submission:

Labcorp Genetics (formerly Invitae), Labcorp
Classification: Uncertain significance. Last evaluated: 2022-01-17. Review status: criteria provided, single submitter. Criteria: Invitae Variant Classification Sherloc (09022015). Collection method: clinical testing. Allele origin: germline.
Comment: In summary, the available evidence is currently insufficient to determine the role of this variant in disease. Therefore, it has been classified as a Variant of Uncertain Significance. Advanced modeling of protein sequence and biophysical properties (such as structural, functional, and spatial information, amino acid conservation, physicochemical variation, residue mobility, and thermodynamic stability) performed at Invitae indicates that this missense variant is not expected to disrupt NSD1 protein function. This variant has not been reported in the literature in individuals affected with NSD1-related conditions. This variant is not present in population databases (gnomAD no frequency). This sequence change replaces arginine, which is basic and polar, with glycine, which is neutral and non-polar, at codon 1578 of the NSD1 protein (p.Arg1578Gly).

NM_022455.5(NSD1):c.4732A>G (p.Arg1578Gly)

Gene: NSD1 (nuclear receptor binding SET domain protein 1; plus strand). Cytogenetic location: 5q35.3.
Variant type: single nucleotide variant.
Coding change: c.4732A>G on transcript NM_022455.5 (MANE Select); coding-DNA position 4732, A replaced by G.
Protein change: p.Arg1578Gly; replaces arginine 1578 with glycine.
Molecular consequence: missense variant.
Genome position (GRCh38, 1-based): chr5:177,251,820, A>G. VCF-style: chr5-177251820-A-G. GRCh37 (hg19) VCF-style: chr5-176678821-A-G.
Other names: c.3859A>G, p.Arg1287Gly (NM_001365684.2, NM_001409306.1, NM_001409307.1 and 3 more transcripts); c.4732A>G, p.Arg1578Gly (NM_001409301.1, NM_001409302.1, NM_001409303.1); c.4312A>G, p.Arg1438Gly (NM_001409304.1); c.3979A>G, p.Arg1327Gly (NM_001409305.1); short protein forms R1309G, R1578G, R1327G, R1438G, R1287G.
Identifiers: ClinVar variation 1513154 (VCV001513154.6), dbSNP rs2149904592, ClinGen allele CA362352211.
Genomic context (GRCh38, chr5:177,251,820, plus strand): 5'-TGTGAGGCTCAGTGCTGTGGGGCTTTCCACCTGGAGTGCCTTGGATTGACTGAGATGCCA[A>G]GAGGAAAATTTATCTGCAATGAATGTCGCACAGGTAAAGTAGATATCGAACGGTCTTCCT-3'
Protein context (NP_071900.2, residues 1568-1588): LECLGLTEMP[Arg1578Gly]GKFICNECRT